The following is an entry in ClinVar:

ClinVar aggregate classification (germline): Likely benign (1 of 4 stars; one submission).

Conditions:
Amelogenesis imperfecta hypomaturation type 2A3. Also called: Amelogenesis imperfecta, type IIA3. Identifiers: Orphanet 88661, MedGen C2750771, MONDO:0013181, OMIM 613211. Disease mechanism: loss of function.

Allele frequency attached by ClinVar (database versions not stated): gnomAD 0.00548 and 0.00577; TOPMed 0.00626; 1000 Genomes Project 0.00719; 1000 Genomes Project 30x 0.00765.

Submission:

Illumina Laboratory Services, Illumina
Classification: Likely benign for Amelogenesis imperfecta hypomaturation type 2A3. Last evaluated: 2018-01-13. Review status: criteria provided, single submitter. Criteria: ICSL Variant Classification Criteria 13 December 2019. Collection method: clinical testing. Allele origin: germline.
Comment: This variant was observed in the ICSL laboratory as part of a predisposition screen in an ostensibly healthy population. It had not been previously curated by ICSL or reported in the Human Gene Mutation Database (HGMD: prior to June 1st, 2018), and was therefore a candidate for classification through an automated scoring system. Utilizing variant allele frequency, disease prevalence and penetrance estimates, and inheritance mode, an automated score was calculated to assess if this variant is too frequent to cause the disease. Based on the score and internal cut-off values, a variant classified as likely benign is not then subjected to further curation. The score for this variant resulted in a classification of likely benign for this disease.

NM_182758.4(WDR72):c.*852G>A

Gene: WDR72 (WD repeat domain 72; minus strand). Cytogenetic location: 15q21.3.
Variant type: single nucleotide variant.
Coding change: c.*852G>A on transcript NM_182758.4 (MANE Select); 852 bases downstream of the stop codon, G replaced by A.
Molecular consequence: 3 prime UTR variant. On other transcripts: non-coding transcript variant (3).
Genome position (GRCh38, 1-based): chr15:53,516,847, C>T on the plus strand (G>A on the coding strand, the complement: WDR72 is on the minus strand). VCF-style: chr15-53516847-C-T. GRCh37 (hg19) VCF-style: chr15-53809044-C-T.
Other names: c.*852G>A (NM_001277176.2).
Identifiers: ClinVar variation 886583 (VCV000886583.4), dbSNP rs112576390, ClinGen allele CA271074762.
Genomic context (GRCh38, chr15:53,516,847, plus strand): 5'-GAGGAACTGTACAATATAAATCATAGTAAATAGATCACCAAAGGCTTTAATAGAAGAGCA[C>T]TTTATGTCTATTCCTATTTATGCTGTTTGATATATTTCAGTTTTAGAATTCCTGCTAGTC-3'